The following is an entry in ClinVar:

ClinVar aggregate classification (germline): Conflicting classifications of pathogenicity. Review status: criteria provided, conflicting classifications (1 of 4 stars). 2 submissions from 2 submitters: Uncertain significance (1); Likely benign (1). Last evaluated 2025-09-10.

Conditions:
Mitochondrial trifunctional protein deficiency. Identifiers: Orphanet 746, MedGen C1969443, MONDO:0012172.

Allele frequency attached by ClinVar (database versions not stated): gnomAD exomes below 0.00001; gnomAD 0.00002; TOPMed 0.00002.

Submissions (2):

Labcorp Genetics (formerly Invitae), Labcorp
Classification: Likely benign for Mitochondrial trifunctional protein deficiency. Last evaluated: 2025-09-10. Review status: criteria provided, single submitter. Criteria: Invitae Variant Classification Sherloc (09022015). Collection method: clinical testing. Allele origin: germline.

GeneDx
Classification: Uncertain significance. Last evaluated: 2017-08-14. Review status: criteria provided, single submitter. Criteria: GeneDx Variant Classification (06012015). Collection method: clinical testing. Allele origin: germline. Affected: yes.
Comment: The c.1389+8dupA variant has not been published as a pathogenic variant, nor has it been reported as a benign variant to our knowledge. The c.1389+8dupA variant is not observed in large population cohorts (Lek et al., 2016; 1000 Genomes Consortium et al., 2015; Exome Variant Server). Several in-silico splice prediction models predict that c.1389+8dupA does not lead to abnormal gene splicing. However, in the absence of RNA/functional studies, the actual effect of this sequence change in this individual is unknown. Therefore, based on the currently available information, it is unclear whether this variant is a pathogenic variant or a rare benign variant.

NM_000183.3(HADHB):c.1389+8dup

Gene: HADHB (hydroxyacyl-CoA dehydrogenase trifunctional multienzyme complex subunit beta; plus strand). Cytogenetic location: 2p23.3.
Variant type: Duplication.
Coding change: c.1389+8dup on transcript NM_000183.3 (MANE Select); 8 bases into the intron after coding-DNA position 1389, one base duplicated (A; older notation c.1389+8dupA).
Molecular consequence: intron variant.
Genome position (GRCh38, 1-based): chr2:26,285,579, A duplicated. VCF-style (leftmost placement, unchanged base first): chr2-26285578-T-TA. GRCh37 (hg19) VCF-style: chr2-26508446-T-TA.
Other names: c.1389+8dupA (NM_000183.2); c.1323+8dup (NM_001281513.2); c.1344+8dup (NM_001281512.2).
Identifiers: ClinVar variation 450899 (VCV000450899.6), dbSNP rs1484394551, ClinGen allele CA658657012.